The following is an entry in ClinVar:

ClinVar aggregate classification (germline): Uncertain significance (1 of 4 stars; one submission).

gnomAD v4.1: 1 of 1,516,352 alleles (0.000066%); highest among the groups gnomAD compares: Non-Finnish European, 0.000088%; no homozygotes.

Submission:

Ambry Genetics
Classification: Uncertain significance. Last evaluated: 2025-09-07. Review status: criteria provided, single submitter. Criteria: Ambry Variant Classification Scheme 2023. Collection method: clinical testing. Allele origin: germline.
Comment: The p.G1461R variant (also known as c.4381G>C), located in coding exon 14 of the CDK12 gene, results from a G to C substitution at nucleotide position 4381. The glycine at codon 1461 is replaced by arginine, an amino acid with dissimilar properties. This amino acid position is conserved. In addition, this alteration is predicted to be tolerated by in silico analysis. Based on the available evidence, the clinical significance of this variant remains unclear.

NM_016507.4(CDK12):c.4381G>C (p.Gly1461Arg)

Gene: CDK12 (cyclin dependent kinase 12; plus strand). Cytogenetic location: 17q12.
Variant type: single nucleotide variant.
Coding change: c.4381G>C on transcript NM_016507.4 (MANE Select); coding-DNA position 4381, G replaced by C.
Protein change: p.Gly1461Arg; replaces glycine 1461 with arginine.
Molecular consequence: missense variant.
Genome position (GRCh38, 1-based): chr17:39,531,224, G>C. VCF-style: chr17-39531224-G-C. GRCh37 (hg19) VCF-style: chr17-37687477-G-C.
Other names: c.4354G>C, p.Gly1452Arg (NM_015083.4); short protein forms G1452R, G1461R.
Identifiers: ClinVar variation 4224449 (VCV004224449.1).